The following is an entry in ClinVar:

NM_001037131.3(AGAP1):c.571G>A (p.Asp191Asn)

Gene: AGAP1 (ArfGAP with GTPase domain, ankyrin repeat and PH domain 1; plus strand). Cytogenetic location: 2q37.2.
Variant type: single nucleotide variant.
Coding change: c.571G>A on transcript NM_001037131.3 (MANE Select); coding-DNA position 571, G replaced by A.
Protein change: p.Asp191Asn; replaces aspartic acid 191 with asparagine.
Molecular consequence: missense variant.
Genome position (GRCh38, 1-based): chr2:235,750,386, G>A. VCF-style: chr2-235750386-G-A. GRCh37 (hg19) VCF-style: chr2-236659030-G-A.
Other names: c.571G>A, p.Asp191Asn (NM_001244888.2, NM_001412122.1, NM_014914.5); short protein forms D191N.
Identifiers: ClinVar variation 1939535 (VCV001939535.5), dbSNP rs200056479, ClinGen allele CA2184436.

ClinVar aggregate classification (germline): Uncertain significance (1 of 4 stars; one submission).

Allele frequency attached by ClinVar (database versions not stated): ExAC 0.00005; gnomAD 0.00005; ESP Exome Variant Server 0.00015.

Submission:

Labcorp Genetics (formerly Invitae), Labcorp
Classification: Uncertain significance. Last evaluated: 2025-06-17. Review status: criteria provided, single submitter. Criteria: Invitae Variant Classification Sherloc (09022015). Collection method: clinical testing. Allele origin: germline.
Comment: This sequence change replaces aspartic acid, which is acidic and polar, with asparagine, which is neutral and polar, at codon 191 of the AGAP1 protein (p.Asp191Asn). This variant is present in population databases (rs200056479, gnomAD 0.01%). This variant has not been reported in the literature in individuals affected with AGAP1-related conditions. ClinVar contains an entry for this variant (Variation ID: 1939535). An algorithm developed to predict the effect of missense changes on protein structure and function (PolyPhen-2) suggests that this variant is likely to be tolerated. In summary, the available evidence is currently insufficient to determine the role of this variant in disease. Therefore, it has been classified as a Variant of Uncertain Significance.